The following is an entry in ClinVar:

NM_206937.2(LIG4):c.1762_1764del (p.Lys588del)

Gene: LIG4 (DNA ligase 4; minus strand). Cytogenetic location: 13q33.3.
Variant type: Deletion.
Coding change: c.1762_1764del on transcript NM_206937.2 (MANE Select); coding-DNA positions 1762 to 1764, 3 bases deleted (AAG; older notation c.1762_1764delAAG).
Protein change: p.Lys588del; deletes lysine 588.
Genome position (GRCh38, 1-based): chr13:108,209,505-108,209,507, CTT deleted on the plus strand (AAG on the coding strand, the reverse complement: LIG4 is on the minus strand). VCF-style (leftmost placement, unchanged base first): chr13-108209504-CCTT-C. GRCh37 (hg19) VCF-style: chr13-108861852-CCTT-C.
Other names: c.1762_1764del, p.Lys588del (NM_001098268.2, NM_001352598.2, NM_001352599.2 and 6 more transcripts); c.1561_1563del, p.Lys521del (NM_001330595.2); c.1798_1800del, p.Lys600del (NM_001352604.2); short protein forms K521del, K600del, K588del.
Identifiers: ClinVar variation 3721395 (VCV003721395.2).

ClinVar aggregate classification (germline): Pathogenic (1 of 4 stars; one submission).

Conditions:
DNA ligase IV deficiency. Identifiers: Orphanet 99812, MedGen C1847827, MONDO:0011686, OMIM 606593.

Submission:

Labcorp Genetics (formerly Invitae), Labcorp
Classification: Pathogenic for DNA ligase IV deficiency. Last evaluated: 2025-02-26. Review status: criteria provided, single submitter. Criteria: Invitae Variant Classification Sherloc (09022015). Collection method: clinical testing. Allele origin: germline.
Comment: This variant, c.1762_1764del, results in the deletion of 1 amino acid(s) of the LIG4 protein (p.Lys588del), but otherwise preserves the integrity of the reading frame. This variant is not present in population databases (gnomAD no frequency). This variant has been observed in individual(s) with LIG4-related conditions (PMID: 19418549; external communications, internal data). In at least one individual the data is consistent with being in trans (on the opposite chromosome) from a pathogenic variant. It has also been observed to segregate with disease in related individuals. Studies have shown that this variant alters LIG4 gene expression (PMID: 19418549). For these reasons, this variant has been classified as Pathogenic.

Literature cited by the submitters: PubMed 19418549.